The following is an entry in ClinVar:

NM_003737.4(DCHS1):c.9490G>T (p.Asp3164Tyr)

Gene: DCHS1 (dachsous cadherin-related 1; minus strand). Cytogenetic location: 11p15.4.
Variant type: single nucleotide variant.
Coding change: c.9490G>T on transcript NM_003737.4 (MANE Select); coding-DNA position 9490, G replaced by T.
Protein change: p.Asp3164Tyr; replaces aspartic acid 3164 with tyrosine.
Molecular consequence: missense variant.
Genome position (GRCh38, 1-based): chr11:6,622,186, C>A on the plus strand (G>T on the coding strand, the complement: DCHS1 is on the minus strand). VCF-style: chr11-6622186-C-A. GRCh37 (hg19) VCF-style: chr11-6643417-C-A.
Other names: short protein forms D3164Y.
Identifiers: ClinVar variation 2879231 (VCV002879231.3), dbSNP rs928281168, ClinGen allele CA379478640.

ClinVar aggregate classification (germline): Uncertain significance (1 of 4 stars; one submission).

Submission:

Labcorp Genetics (formerly Invitae), Labcorp
Classification: Uncertain significance. Last evaluated: 2023-11-03. Review status: criteria provided, single submitter. Criteria: Invitae Variant Classification Sherloc (09022015). Collection method: clinical testing. Allele origin: germline.
Comment: This sequence change replaces aspartic acid, which is acidic and polar, with tyrosine, which is neutral and polar, at codon 3164 of the DCHS1 protein (p.Asp3164Tyr). This variant is not present in population databases (gnomAD no frequency). This variant has not been reported in the literature in individuals affected with DCHS1-related conditions. An algorithm developed to predict the effect of missense changes on protein structure and function (PolyPhen-2) suggests that this variant is likely to be disruptive. In summary, the available evidence is currently insufficient to determine the role of this variant in disease. Therefore, it has been classified as a Variant of Uncertain Significance.